The following is an entry in ClinVar:

NM_018979.4(WNK1):c.4747C>A (p.Pro1583Thr)

Gene: WNK1 (WNK lysine deficient protein kinase 1; plus strand). Cytogenetic location: 12p13.33.
Variant type: single nucleotide variant.
Coding change: c.4747C>A on transcript NM_018979.4 (MANE Select); coding-DNA position 4747, C replaced by A.
Protein change: p.Pro1583Thr; replaces proline 1583 with threonine.
Molecular consequence: missense variant.
Genome position (GRCh38, 1-based): chr12:885,551, C>A. VCF-style: chr12-885551-C-A. GRCh37 (hg19) VCF-style: chr12-994717-C-A.
Other names: c.5527C>A, p.Pro1843Thr (NM_001184985.2); c.4006C>A, p.Pro1336Thr (NM_014823.3); c.5503C>A, p.Pro1835Thr (NM_213655.5); short protein forms P1336T, P1583T, P1835T, P1843T.
Identifiers: ClinVar variation 3753839 (VCV003753839.2).

ClinVar aggregate classification (germline): Uncertain significance (1 of 4 stars; one submission).

Conditions:
Neuropathy, hereditary sensory and autonomic, type 2A (HSAN2A). Also called: ACROOSTEOLYSIS, GIACCAI TYPE; ACROOSTEOLYSIS, NEUROGENIC; MORVAN DISEASE; NEUROPATHY, CONGENITAL SENSORY; NEUROPATHY, HEREDITARY SENSORY RADICULAR, AUTOSOMAL RECESSIVE; NEUROPATHY, HEREDITARY SENSORY, TYPE IIA. Identifiers: Orphanet 970, MedGen C2752089, MONDO:0024309, OMIM 201300.
Pseudohypoaldosteronism type 2C (PHA2C). Also called: Pseudohypoaldosteronism Type IIC. Identifiers: Orphanet 757, Orphanet 88940, MedGen C1840391, MONDO:0013778, OMIM 614492.

Submission:

Labcorp Genetics (formerly Invitae), Labcorp
Classification: Uncertain significance for Neuropathy, hereditary sensory and autonomic, type 2A; Pseudohypoaldosteronism type 2C. Last evaluated: 2024-06-05. Review status: criteria provided, single submitter. Criteria: Invitae Variant Classification Sherloc (09022015). Collection method: clinical testing. Allele origin: germline.
Comment: This sequence change replaces proline, which is neutral and non-polar, with threonine, which is neutral and polar, at codon 1835 of the WNK1 protein (p.Pro1835Thr). This variant is not present in population databases (gnomAD no frequency). This variant has not been reported in the literature in individuals affected with WNK1-related conditions. Advanced modeling of protein sequence and biophysical properties (such as structural, functional, and spatial information, amino acid conservation, physicochemical variation, residue mobility, and thermodynamic stability) performed at Invitae indicates that this missense variant is not expected to disrupt WNK1 protein function with a negative predictive value of 95%. In summary, the available evidence is currently insufficient to determine the role of this variant in disease. Therefore, it has been classified as a Variant of Uncertain Significance.